The following is an entry in ClinVar:

NM_024529.5(CDC73):c.1460C>T (p.Pro487Leu)

Gene: CDC73 (cell division cycle 73; plus strand). Cytogenetic location: 1q31.2.
Variant type: single nucleotide variant.
Coding change: c.1460C>T on transcript NM_024529.5 (MANE Select); coding-DNA position 1460, C replaced by T.
Protein change: p.Pro487Leu; replaces proline 487 with leucine.
Molecular consequence: missense variant.
Genome position (GRCh38, 1-based): chr1:193,249,772, C>T. VCF-style: chr1-193249772-C-T. GRCh37 (hg19) VCF-style: chr1-193218902-C-T.
Other names: short protein forms P487L.
Identifiers: ClinVar variation 957079 (VCV000957079.11), dbSNP rs1678015855, ClinGen allele CA344078429.

ClinVar aggregate classification (germline): Uncertain significance. Review status: criteria provided, multiple submitters, no conflicts (2 of 4 stars). 2 submissions from 2 submitters: Uncertain significance (2). Last evaluated 2025-12-24.

Conditions:
Hereditary cancer-predisposing syndrome. Also called: Hereditary neoplastic syndrome; Tumor predisposition; Neoplastic Syndromes, Hereditary; Hereditary Cancer Syndrome. Identifiers: Orphanet 140162, MedGen C0027672, MeSH D009386, MONDO:0015356.
Parathyroid carcinoma (PRTC). Also called: Parathyroid gland carcinoma; CDC73-Related Parathyroid Carcinoma. Identifiers: Orphanet 143, MedGen C0687150, MONDO:0012004, OMIM 608266, HP:0006780.

Submissions (2):

Labcorp Genetics (formerly Invitae), Labcorp
Classification: Uncertain significance for Parathyroid carcinoma. Last evaluated: 2025-12-24. Review status: criteria provided, single submitter. Criteria: Invitae Variant Classification Sherloc (09022015). Collection method: clinical testing. Allele origin: germline.
Comment: This sequence change replaces proline, which is neutral and non-polar, with leucine, which is neutral and non-polar, at codon 487 of the CDC73 protein (p.Pro487Leu). This variant is not present in population databases (gnomAD no frequency). This variant has not been reported in the literature in individuals affected with CDC73-related conditions. ClinVar contains an entry for this variant (Variation ID: 957079). Invitae Evidence Modeling of protein sequence and biophysical properties (such as structural, functional, and spatial information, amino acid conservation, physicochemical variation, residue mobility, and thermodynamic stability) indicates that this missense variant is not expected to disrupt CDC73 protein function with a negative predictive value of 80%. In summary, the available evidence is currently insufficient to determine the role of this variant in disease. Therefore, it has been classified as a Variant of Uncertain Significance.

Ambry Genetics
Classification: Uncertain significance for Hereditary cancer-predisposing syndrome. Last evaluated: 2024-09-04. Review status: criteria provided, single submitter. Criteria: Ambry Variant Classification Scheme 2023. Collection method: clinical testing. Allele origin: germline.
Comment: The p.P487L variant (also known as c.1460C>T), located in coding exon 16 of the CDC73 gene, results from a C to T substitution at nucleotide position 1460. The proline at codon 487 is replaced by leucine, an amino acid with similar properties. This amino acid position is conserved. In addition, the in silico prediction for this alteration is inconclusive. Based on the available evidence, the clinical significance of this variant remains unclear.